The following is an entry in ClinVar:

ClinVar aggregate classification (germline): Pathogenic (3 of 4 stars; one submission).

Conditions:
Phenylketonuria (PKU). Also called: OLIGOPHRENIA PHENYLPYRUVICA; Phenylketonuria (PKU); Phenylketonurias; FOLLING DISEASE. Identifiers: Orphanet 716, MedGen C0031485, MONDO:0009861, OMIM 261600. Disease mechanism: loss of function.

Submission:

ClinGen PAH Variant Curation Expert Panel
Classification: Pathogenic for Phenylketonuria. Last evaluated: 2020-10-15. Review status: reviewed by expert panel. Criteria: ClinGen PAH ACMG Specifications v1. Collection method: curation. Allele origin: germline. Inheritance: Autosomal recessive inheritance.
Comment: A defect in BH4 metabolism was not excluded. This variant is absent from population databases. This variant in the +2 splice donor site results in exon skipping, which disrupts the reading frame and is predicted to undergo nonsense mediated decay. The exon is present in biologically-relevant transcripts. In summary, this variant meets criteria to be classified as pathogenic for PAH. PAH-specific ACMG/AMP criteria applied: PVS1, PM2, PM3_supporting, PP4.

Literature cited by the submitters: PubMed 23430918.

NM_000277.3(PAH):c.441+2T>G

Gene: PAH (phenylalanine hydroxylase; minus strand). Cytogenetic location: 12q23.2.
Variant type: single nucleotide variant.
Coding change: c.441+2T>G on transcript NM_000277.3 (MANE Select); the canonical splice donor site of the intron after coding-DNA position 441, T replaced by G.
Molecular consequence: splice donor variant.
Genome position (GRCh38, 1-based): chr12:102,877,460, A>C on the plus strand (T>G on the coding strand, the complement: PAH is on the minus strand). VCF-style: chr12-102877460-A-C. GRCh37 (hg19) VCF-style: chr12-103271238-A-C.
Other names: c.441+2T>G (NM_001354304.2).
Identifiers: ClinVar variation 987776 (VCV000987776.1), dbSNP rs1876618843, ClinGen allele CA16020787.
Genomic context (GRCh38, chr12:102,877,460, plus strand): 5'-GGAAGGGAGGGGAGTGGAGGAGAGGCACTGAAAAAATCTCATCCTACGGGCCATGGACTC[A>C]CAGGGTGGTCAGCATCCAGTTCCGCTCCATAGCTGAGAATCTGATTGGCAAATCTGTCCA-3'